The following is an entry in ClinVar:

NM_024757.5(EHMT1):c.20A>T (p.Glu7Val)

Genes: EHMT1 (euchromatic histone lysine methyltransferase 1; plus strand), LOC130003135 (ATAC-STARR-seq lymphoblastoid silent region 20636; plus strand). Cytogenetic location: 9q34.3.
Variant type: single nucleotide variant.
Coding change: c.20A>T on transcript NM_024757.5 (MANE Select); coding-DNA position 20, A replaced by T.
Protein change: p.Glu7Val; replaces glutamic acid 7 with valine.
Molecular consequence: missense variant. On other transcripts: 5 prime UTR variant (2).
Genome position (GRCh38, 1-based): chr9:137,619,048, A>T. VCF-style: chr9-137619048-A-T. GRCh37 (hg19) VCF-style: chr9-140513500-A-T.
Other names: c.20A>T, p.Glu7Val (NM_001145527.2, NM_001354263.2, NM_001354611.2); c.-10A>T (NM_001354259.2, NM_001354612.2); short protein forms E7V.
Identifiers: ClinVar variation 1800762 (VCV001800762.2), dbSNP rs1842770058, ClinGen allele CA375778289.

ClinVar aggregate classification (germline): Uncertain significance (1 of 4 stars; one submission).

Allele frequency attached by ClinVar (database versions not stated): TOPMed below 0.00001.

Submission:

GeneDx
Classification: Uncertain significance. Last evaluated: 2023-01-06. Review status: criteria provided, single submitter. Criteria: GeneDx Variant Classification Process June 2021. Collection method: clinical testing. Allele origin: germline.
Comment: Not observed at significant frequency in large population cohorts (gnomAD); In silico analysis supports that this missense variant does not alter protein structure/function; Has not been previously published as pathogenic or benign to our knowledge